The following is an entry in ClinVar:

ClinVar aggregate classification (germline): Uncertain significance. Review status: criteria provided, multiple submitters, no conflicts (2 of 4 stars). 4 submissions from 4 submitters: Uncertain significance (4). Last evaluated 2025-12-19.

Conditions:
Dilated cardiomyopathy 1JJ (CMD1JJ). Identifiers: Orphanet 154, MedGen C3808935, MONDO:0014095, OMIM 615235.
Cardiovascular phenotype. Identifiers: MedGen CN230736.

Allele frequency attached by ClinVar (database versions not stated): ExAC 0.00001; gnomAD exomes 0.00001; gnomAD 0.00003; TOPMed 0.00004; 1000 Genomes Project 30x 0.00016; 1000 Genomes Project 0.00020.

Submissions (4):

Labcorp Genetics (formerly Invitae), Labcorp
Classification: Uncertain significance for Dilated cardiomyopathy 1JJ. Last evaluated: 2025-12-19. Review status: criteria provided, single submitter. Criteria: Invitae Variant Classification Sherloc (09022015). Collection method: clinical testing. Allele origin: germline.
Comment: This sequence change falls in intron 27 of the LAMA4 gene. It does not directly change the encoded amino acid sequence of the LAMA4 protein. It affects a nucleotide within the consensus splice site. This variant is present in population databases (rs536295629, gnomAD 0.02%). This variant has not been reported in the literature in individuals affected with LAMA4-related conditions. ClinVar contains an entry for this variant (Variation ID: 1304997). Variants that disrupt the consensus splice site are a relatively common cause of aberrant splicing (PMID: 17576681, 9536098). Algorithms developed to predict the effect of sequence changes on RNA splicing suggest that this variant is not likely to affect RNA splicing. In summary, the available evidence is currently insufficient to determine the role of this variant in disease. Therefore, it has been classified as a Variant of Uncertain Significance.

Ambry Genetics
Classification: Uncertain significance for Cardiovascular phenotype. Last evaluated: 2025-06-30. Review status: criteria provided, single submitter. Criteria: Ambry Variant Classification Scheme 2023. Collection method: clinical testing. Allele origin: germline.
Comment: The c.3676-3C>T intronic variant results from a C to T substitution 3 nucleotides upstream from coding exon 27 in the LAMA4 gene. This nucleotide position is well conserved in available vertebrate species. In silico splice site analysis predicts that this alteration will not have any significant effect on splicing. The evidence for this gene-disease relationship is limited; therefore, the clinical significance of this alteration is unclear.

Fulgent Genetics
Classification: Uncertain significance for Dilated cardiomyopathy 1JJ. Last evaluated: 2021-09-10. Review status: criteria provided, single submitter. Criteria: ACMG Guidelines, 2015. Collection method: clinical testing. Allele origin: unknown.

GeneDx
Classification: Uncertain significance. Last evaluated: 2019-04-11. Review status: criteria provided, single submitter. Criteria: GeneDx Variant Classification Process June 2021. Collection method: clinical testing. Allele origin: germline. Affected: yes.
Comment: Not observed at a significant frequency in large population cohorts (Lek et al., 2016); In-silico analysis, which includes splice predictors and evolutionary conservation, is inconclusive as to whether the variant alters gene splicing. In the absence of RNA/functional studies, the actual effect of this sequence change is unknown.; The majority of pathogenic variants in the LAMA4 gene are missense changes (Stenson et al., 2014), indicating haploinsufficiency of LAMA4 may not be sufficient to cause cardiomyopathy; Has not been previously published as pathogenic or benign to our knowledge

Literature cited by the submitters: PubMed 17576681 (cited by Labcorp Genetics (formerly Invitae), Labcorp); PubMed 9536098 (cited by Labcorp Genetics (formerly Invitae), Labcorp).

NM_001105206.3(LAMA4):c.3697-3C>T

Gene: LAMA4 (laminin subunit alpha 4; minus strand). Cytogenetic location: 6q21.
Variant type: single nucleotide variant.
Coding change: c.3697-3C>T on transcript NM_001105206.3 (MANE Select); 3 bases into the intron before coding-DNA position 3697, C replaced by T.
Molecular consequence: intron variant.
Genome position (GRCh38, 1-based): chr6:112,132,893, G>A on the plus strand (C>T on the coding strand, the complement: LAMA4 is on the minus strand). VCF-style: chr6-112132893-G-A. GRCh37 (hg19) VCF-style: chr6-112454095-G-A.
Other names: c.3676-3C>T (NM_002290.5, NM_001105207.3).
Identifiers: ClinVar variation 1304997 (VCV001304997.12), dbSNP rs536295629, ClinGen allele CA3965146.